The following is an entry in ClinVar:

ClinVar aggregate classification (germline): Uncertain significance. Review status: criteria provided, multiple submitters, no conflicts (2 of 4 stars). 2 submissions from 2 submitters: Uncertain significance (2). Last evaluated 2025-06-21.

Conditions:
Congenital myotonia, autosomal recessive form. Also called: BECKER DISEASE; Becker Generalized Myotonia; myotonia congenita, autosomal recessive. Identifiers: Orphanet 614, MedGen C0751360, MONDO:0009715, OMIM 255700.
Congenital myotonia, autosomal dominant form (THD). Also called: THOMSEN DISEASE; Myotonia congenita autosomal dominant. Identifiers: Orphanet 614, MedGen C2936781, MONDO:0008055, OMIM 160800.

Allele frequency attached by ClinVar (database versions not stated): gnomAD 0.00001; gnomAD exomes 0.00002; TOPMed 0.00002; ExAC 0.00004; ESP Exome Variant Server 0.00008.
gnomAD v4.1: 26 of 1,613,712 alleles (0.0016%); highest among the groups gnomAD compares: Non-Finnish European, 0.0019%; no homozygotes.

Submissions (2):

GeneDx
Classification: Uncertain significance. Last evaluated: 2025-06-21. Review status: criteria provided, single submitter. Criteria: GeneDx Variant Classification Process June 2021. Collection method: clinical testing. Allele origin: germline. Affected: yes.
Comment: Not observed at significant frequency in large population cohorts (gnomAD); In silico analysis supports that this missense variant has a deleterious effect on protein structure/function; Has not been previously published as pathogenic or benign to our knowledge

Labcorp Genetics (formerly Invitae), Labcorp
Classification: Uncertain significance for Congenital myotonia, autosomal recessive form; Congenital myotonia, autosomal dominant form. Last evaluated: 2022-02-24. Review status: criteria provided, single submitter. Criteria: Invitae Variant Classification Sherloc (09022015). Collection method: clinical testing. Allele origin: germline.
Comment: This sequence change replaces methionine, which is neutral and non-polar, with threonine, which is neutral and polar, at codon 797 of the CLCN1 protein (p.Met797Thr). This variant is present in population databases (rs368445765, gnomAD 0.005%). This variant has not been reported in the literature in individuals affected with CLCN1-related conditions. Algorithms developed to predict the effect of missense changes on protein structure and function are either unavailable or do not agree on the potential impact of this missense change (SIFT: "Deleterious"; PolyPhen-2: "Benign"; Align-GVGD: "Class C0"). In summary, the available evidence is currently insufficient to determine the role of this variant in disease. Therefore, it has been classified as a Variant of Uncertain Significance.

NM_000083.3(CLCN1):c.2390T>C (p.Met797Thr)

Gene: CLCN1 (chloride voltage-gated channel 1; plus strand). Cytogenetic location: 7q34.
Variant type: single nucleotide variant.
Coding change: c.2390T>C on transcript NM_000083.3 (MANE Select); coding-DNA position 2390, T replaced by C.
Protein change: p.Met797Thr; replaces methionine 797 with threonine.
Molecular consequence: missense variant. On other transcripts: non-coding transcript variant (1).
Genome position (GRCh38, 1-based): chr7:143,346,936, T>C. VCF-style: chr7-143346936-T-C. GRCh37 (hg19) VCF-style: chr7-143044029-T-C.
Other names: c.2390T>C (NM_000083.2); short protein forms M797T.
Identifiers: ClinVar variation 1405336 (VCV001405336.6), dbSNP rs368445765, ClinGen allele CA4537666.